The following is an entry in ClinVar:

NM_001379500.1(COL18A1):c.3129_3137del (p.His1044_Val1046del)

Genes: COL18A1 (collagen type XVIII alpha 1 chain; plus strand), SLC19A1 (solute carrier family 19 member 1; minus strand). Cytogenetic location: 21q22.3.
Variant type: Deletion.
Coding change: c.3129_3137del on transcript NM_001379500.1 (MANE Select); coding-DNA positions 3129 to 3137, 9 bases deleted (GCACGAGGT; older notation c.3129_3137delGCACGAGGT).
Protein change: p.His1044_Val1046del.
Molecular consequence: inframe deletion.
Genome position (GRCh38, 1-based): chr21:45,505,879-45,505,887, GCACGAGGT deleted; deleting any 9 consecutive bases within chr21:45,505,875-45,505,887 gives the same sequence; the c. name uses the placement nearest the transcript's 3' end. VCF-style (leftmost placement, unchanged base first): chr21-45505874-CAGGTGCACG-C. GRCh37 (hg19) VCF-style: chr21-46925788-CAGGTGCACG-C.
Other names: c.3660_3668del, p.His1221_Val1223del (NM_030582.4); c.4365_4373del, p.His1456_Val1458del (NM_130444.3).
Identifiers: ClinVar variation 2713141 (VCV002713141.3), dbSNP rs2517802459, ClinGen allele CA2654921569.

ClinVar aggregate classification (germline): Uncertain significance (1 of 4 stars; one submission).

Submission:

Labcorp Genetics (formerly Invitae), Labcorp
Classification: Uncertain significance. Last evaluated: 2023-05-24. Review status: criteria provided, single submitter. Criteria: Invitae Variant Classification Sherloc (09022015). Collection method: clinical testing. Allele origin: germline.
Comment: This variant, c.3120_3128del, results in the deletion of 3 amino acid(s) of the COL18A1 protein (p.His1041_Val1043del), but otherwise preserves the integrity of the reading frame. This variant has not been reported in the literature in individuals affected with COL18A1-related conditions. This variant is not present in population databases (gnomAD no frequency). Experimental studies and prediction algorithms are not available or were not evaluated, and the functional significance of this variant is currently unknown. In summary, the available evidence is currently insufficient to determine the role of this variant in disease. Therefore, it has been classified as a Variant of Uncertain Significance.